The following is an entry in ClinVar:

NM_003680.4(YARS1):c.736A>T (p.Lys246Ter)

Genes: YARS1 (tyrosyl-tRNA synthetase 1; minus strand), LOC126805688 (BRD4-independent group 4 enhancer GRCh37_chr1:33251929-33253128; plus strand). Cytogenetic location: 1p35.1.
Variant type: single nucleotide variant.
Coding change: c.736A>T on transcript NM_003680.4 (MANE Select); coding-DNA position 736, A replaced by T.
Protein change: p.Lys246Ter; replaces lysine 246 with a stop codon.
Molecular consequence: nonsense.
Genome position (GRCh38, 1-based): chr1:32,787,024, T>A on the plus strand (A>T on the coding strand, the complement: YARS1 is on the minus strand). VCF-style: chr1-32787024-T-A. GRCh37 (hg19) VCF-style: chr1-33252625-T-A.
Other names: short protein forms K246*.
Identifiers: ClinVar variation 1681513 (VCV001681513.6), dbSNP rs2148604127, ClinGen allele CA339685273.
Genomic context (GRCh38, chr1:32,787,024, plus strand): 5'-GCTTGATGAAGGACAGAACCCCATTGTTCTCCACATTTCCTGGCTCACAGAAGGCCTTCT[T>A]CAGTTTTTTCTTCACATCCTCCTTCCGATCAAGGAGATCAATCTTGGACTCCTAGAAGTC-3'

ClinVar aggregate classification (germline): Uncertain significance (1 of 4 stars; one submission).

Conditions:
Charcot-Marie-Tooth disease dominant intermediate C (CMTDIC). Also called: CHARCOT-MARIE-TOOTH NEUROPATHY, DOMINANT INTERMEDIATE C. Identifiers: Orphanet 100045, MedGen C1842237, MONDO:0012012, OMIM 608323.

Submission:

Labcorp Genetics (formerly Invitae), Labcorp
Classification: Uncertain significance for Charcot-Marie-Tooth disease dominant intermediate C. Last evaluated: 2021-02-11. Review status: criteria provided, single submitter. Criteria: Invitae Variant Classification Sherloc (09022015). Collection method: clinical testing. Allele origin: germline.
Comment: In summary, the available evidence is currently insufficient to determine the role of this variant in disease. Therefore, it has been classified as a Variant of Uncertain Significance. This variant has not been reported in the literature in individuals with YARS-related conditions. This variant is not present in population databases (ExAC no frequency). This sequence change creates a premature translational stop signal (p.Lys246*) in the YARS gene. It is expected to result in an absent or disrupted protein product. However, the current clinical and genetic evidence is not sufficient to establish whether loss-of-function variants in YARS cause disease.